The following is an entry in ClinVar:

NM_000256.3(MYBPC3):c.2603G>A (p.Gly868Asp)

Gene: MYBPC3 (myosin binding protein C3; minus strand). Cytogenetic location: 11p11.2.
Variant type: single nucleotide variant.
Coding change: c.2603G>A on transcript NM_000256.3 (MANE Select); coding-DNA position 2603, G replaced by A.
Protein change: p.Gly868Asp; replaces glycine 868 with aspartic acid.
Molecular consequence: missense variant.
Genome position (GRCh38, 1-based): chr11:47,336,011, C>T on the plus strand (G>A on the coding strand, the complement: MYBPC3 is on the minus strand). VCF-style: chr11-47336011-C-T. GRCh37 (hg19) VCF-style: chr11-47357562-C-T.
Other names: c.2603G>A, p.Gly868Asp (LRG_386t1); short protein forms G868D.
Identifiers: ClinVar variation 487610 (VCV000487610.1), dbSNP rs886048376, ClinGen allele CA380317466.
Genomic context (GRCh38, chr11:47,336,011, plus strand): 5'-AGGGAGACCGTGGTGTCAGAGACGTCCTCTACTGCCAGGTGGGTGGGTTCGCTGGGGGGA[C>T]CTGGGCAGAGGAGAGGTCAGAGAGGGGTCTGAGCAAGCCTGGGGAAGCTGGAGATCCATG-3'
Protein context (NP_000247.2, residues 858-878): SPASQPFMPI[Gly868Asp]PPSEPTHLAV

ClinVar aggregate classification (germline): Uncertain significance (0 of 4 stars; one submission).

Conditions:
Wolff-Parkinson-White pattern. Also called: WPW SYNDROME; Auriculoventricular accessory pathway syndrome; False bundle branch block syndrome; Anomalous ventricular excitation syndrome. Identifiers: MedGen C0043202, MONDO:0008685, OMIM 194200, HP:0001716.

Allele frequency attached by ClinVar (database versions not stated): gnomAD exomes below 0.00001.
gnomAD v4.1: 1 of 1,517,434 alleles (0.000066%); highest among the groups gnomAD compares: East Asian, 0.0024%; no homozygotes.

Submission:

Lupski Lab, Baylor-Hopkins CMG, Baylor College of Medicine
Classification: Uncertain significance for Wolff-Parkinson-White pattern. Last evaluated: 2017-07-14. Review status: no assertion criteria provided. Collection method: research. Allele origin: unknown. Affected: yes. Observed: 1 variant allele. Study: Candidate_variants_in_patients_with_ Wolff-Parkinson-White Syndrome.